The following is an entry in ClinVar:

NM_001308330.2(STXBP5L):c.2491G>A (p.Val831Ile)

Gene: STXBP5L (syntaxin binding protein 5L; plus strand). Cytogenetic location: 3q13.33.
Variant type: single nucleotide variant.
Coding change: c.2491G>A on transcript NM_001308330.2 (MANE Select); coding-DNA position 2491, G replaced by A.
Protein change: p.Val831Ile; replaces valine 831 with isoleucine.
Molecular consequence: missense variant. On other transcripts: non-coding transcript variant (1).
Genome position (GRCh38, 1-based): chr3:121,381,436, G>A. VCF-style: chr3-121381436-G-A. GRCh37 (hg19) VCF-style: chr3-121100283-G-A.
Other names: c.2563G>A, p.Val855Ile (NM_001348343.2, NM_014980.3); c.2491G>A, p.Val831Ile (NM_001348344.2, NM_001348345.2); short protein forms V831I, V855I.
Identifiers: ClinVar variation 3056299 (VCV003056299.2), dbSNP rs17740066, ClinGen allele CA2561806.

ClinVar aggregate classification (germline): Benign (0 of 4 stars; one submission).

Conditions:
STXBP5L-related disorder. Also called: STXBP5L-related condition.

Allele frequency attached by ClinVar (database versions not stated): 1000 Genomes Project 0.06729; 1000 Genomes Project 30x 0.06902; TOPMed 0.07884; gnomAD 0.07951; ESP Exome Variant Server 0.08048; ExAC 0.09293.
gnomAD v4.1: 156,013 of 1,605,206 alleles (9.7%); highest among the groups gnomAD compares: Admixed American, 15%; 8,433 homozygotes.

Submission:

PreventionGenetics, part of Exact Sciences
Classification: Benign for STXBP5L-related condition. Last evaluated: 2019-04-10. Review status: no assertion criteria provided. Collection method: clinical testing. Allele origin: germline.
Comment: This variant is classified as benign based on ACMG/AMP sequence variant interpretation guidelines (Richards et al. 2015 PMID: 25741868, with internal and published modifications).